The following is an entry in ClinVar:

ClinVar aggregate classification (germline): Conflicting classifications of pathogenicity. Review status: criteria provided, conflicting classifications (1 of 4 stars). 6 submissions from 6 submitters: Uncertain significance (2); Likely benign (2). 2 of the submissions do not count toward it. Last evaluated 2026-08-04.

Conditions:
Myofibrillar myopathy 5. Also called: FILAMINOPATHY, AUTOSOMAL DOMINANT; Filaminopathy (type). Identifiers: Orphanet 171445, MedGen C1836050, MONDO:0012289, OMIM 609524.
Hypertrophic cardiomyopathy 26. Also called: Cardiomyopathy, familial hypertrophic, 26. Identifiers: Orphanet 75249, MedGen C4310749, MONDO:0014883, OMIM 617047.
Distal myopathy with posterior leg and anterior hand involvement. Also called: WILLIAMS DISTAL MYOPATHY. Identifiers: Orphanet 63273, MedGen C3279722, MONDO:0013550, OMIM 614065.
FLNC-related disorder. Also called: FLNC-related disorders; FLNC-related condition.
Cardiovascular phenotype. Identifiers: MedGen CN230736.

Allele frequency attached by ClinVar (database versions not stated): gnomAD exomes 0.00001 and 0.00002; ExAC 0.00002; gnomAD 0.00002 and 0.00003; TOPMed 0.00002; 1000 Genomes Project 30x 0.00016; 1000 Genomes Project 0.00020.
gnomAD v4.1: 13 of 1,614,090 alleles (0.00081%); highest among the groups gnomAD compares: South Asian, 0.0066%; no homozygotes.

Submissions (6):

PreventionGenetics, part of Exact Sciences
Classification: Likely benign for FLNC-related condition. Last evaluated: 2026-08-04. Review status: criteria provided, single submitter. Criteria: ACMG Guidelines, 2015. Collection method: clinical testing. Allele origin: germline.
Comment: This variant is classified as likely benign based on ACMG/AMP sequence variant interpretation guidelines (Richards et al. 2015 PMID: 25741868, with internal and published modifications).

Labcorp Genetics (formerly Invitae), Labcorp
Classification: Likely benign for Distal myopathy with posterior leg and anterior hand involvement; Myofibrillar myopathy 5; Hypertrophic cardiomyopathy 26. Last evaluated: 2026-01-11. Review status: criteria provided, single submitter. Criteria: Invitae Variant Classification Sherloc (09022015). Collection method: clinical testing. Allele origin: germline.

Ambry Genetics
Classification: Uncertain significance for Cardiovascular phenotype. Last evaluated: 2024-02-21. Review status: criteria provided, single submitter. Criteria: Ambry Variant Classification Scheme 2023. Collection method: clinical testing. Allele origin: germline.
Comment: The c.3372G>A variant (also known as p.T1124T), located in coding exon 21 of the FLNC gene, results from a G to A substitution at nucleotide position 3372. This nucleotide substitution does not change the threonine at codon 1124. In silico splice site analysis for this alteration is inconclusive. Based on the available evidence, the clinical significance of this alteration remains unclear.

GeneDx
Classification: Uncertain significance. Last evaluated: 2017-09-07. Review status: criteria provided, single submitter. Criteria: GeneDx Variant Classification (06012015). Collection method: clinical testing. Allele origin: germline. Affected: yes.
Comment: The c.3372 G>A variant has not been published as a pathogenic variant, nor has it been reported as a benign variant to our knowledge. The c.3372 G>A variant is observed in 3/16,512 (0.02%) alleles from individuals of South Asian background (Lek et al., 2016; 1000 Genomes Consortium et al., 2015; Exome Variant Server). This nucleotide change results in a synonymous amino acid substitution at a position that is not conserved. Multiple in silico algorithms predict c.3372 G>A creates a cryptic splice acceptor site which may alter gene splicing; however, in the absence of RNA/functional studies the actual effect of c.3372 G>A on splicing in this individual is unknown.

Clinical Genetics, Academic Medical Center
Classification: Likely benign. Review status: no assertion criteria provided. Collection method: clinical testing. Allele origin: germline. Affected: yes. Study: VKGL Data-share Consensus. Not counted in ClinVar's aggregate classification.

Joint Genome Diagnostic Labs from Nijmegen and Maastricht, Radboudumc and MUMC+
Classification: Likely benign. Review status: no assertion criteria provided. Collection method: clinical testing. Allele origin: germline. Affected: yes. Study: VKGL Data-share Consensus. Not counted in ClinVar's aggregate classification.

NM_001458.5(FLNC):c.3372G>A (p.Thr1124=)

Gene: FLNC (filamin C; plus strand). Cytogenetic location: 7q32.1.
Variant type: single nucleotide variant.
Coding change: c.3372G>A on transcript NM_001458.5 (MANE Select); coding-DNA position 3372, G replaced by A.
Protein change: p.Thr1124=; no amino-acid change (threonine 1124 retained).
Molecular consequence: synonymous variant.
Genome position (GRCh38, 1-based): chr7:128,844,837, G>A. VCF-style: chr7-128844837-G-A. GRCh37 (hg19) VCF-style: chr7-128484891-G-A.
Other names: c.3372G>A, p.Thr1124= (NM_001127487.2).
Identifiers: ClinVar variation 451859 (VCV000451859.17), dbSNP rs556913973, ClinGen allele CA4475026.